The following is an entry in ClinVar:

ClinVar aggregate classification (germline): Uncertain significance (1 of 4 stars; one submission).

Submission:

Labcorp Genetics (formerly Invitae), Labcorp
Classification: Uncertain significance. Last evaluated: 2022-02-02. Review status: criteria provided, single submitter. Criteria: Invitae Variant Classification Sherloc (09022015). Collection method: clinical testing. Allele origin: germline.
Comment: In summary, the available evidence is currently insufficient to determine the role of this variant in disease. Therefore, it has been classified as a Variant of Uncertain Significance. Algorithms developed to predict the effect of missense changes on protein structure and function are either unavailable or do not agree on the potential impact of this missense change (SIFT: "Deleterious"; PolyPhen-2: "Not Available"; Align-GVGD: "Class C0"). This variant has not been reported in the literature in individuals affected with PCLO-related conditions. This variant is not present in population databases (gnomAD no frequency). This sequence change replaces arginine, which is basic and polar, with glycine, which is neutral and non-polar, at codon 4410 of the PCLO protein (p.Arg4410Gly).

NM_033026.6(PCLO):c.13228C>G (p.Arg4410Gly)

Gene: PCLO (piccolo presynaptic cytomatrix protein; minus strand). Cytogenetic location: 7q21.11.
Variant type: single nucleotide variant.
Coding change: c.13228C>G on transcript NM_033026.6 (MANE Select); coding-DNA position 13228, C replaced by G.
Protein change: p.Arg4410Gly; replaces arginine 4410 with glycine.
Molecular consequence: missense variant.
Genome position (GRCh38, 1-based): chr7:82,914,758, G>C on the plus strand (C>G on the coding strand, the complement: PCLO is on the minus strand). VCF-style: chr7-82914758-G-C. GRCh37 (hg19) VCF-style: chr7-82544074-G-C.
Other names: c.13228C>G, p.Arg4410Gly (NM_014510.3); short protein forms R4410G.
Identifiers: ClinVar variation 2092154 (VCV002092154.4), dbSNP rs557404681, ClinGen allele CA367883614.